The following is an entry in ClinVar:

NM_001845.6(COL4A1):c.-31_74del (p.Met1_Ala25del)

Gene: COL4A1 (collagen type IV alpha 1 chain; minus strand). Cytogenetic location: 13q34.
Variant type: Deletion.
Coding change: c.-31_74del on transcript NM_001845.6 (MANE Select); 31 bases upstream of the start codon through coding-DNA position 74, 105 bases deleted.
Protein change: p.Met1_Ala25del.
Molecular consequence: inframe deletion, initiator codon variant.
Genome position (GRCh38, 1-based): chr13:110,306,954-110,307,058, 105 bases deleted. GRCh37 (hg19): chr13:110,959,308-110,959,412.
Other names: c.-31_74del, p.Met1_Ala25del (NM_001303110.2).
Identifiers: ClinVar variation 2741718 (VCV002741718.3), dbSNP rs2501838391, ClinGen allele CA2697551959.

ClinVar aggregate classification (germline): Pathogenic (1 of 4 stars; one submission).

Submission:

Labcorp Genetics (formerly Invitae), Labcorp
Classification: Pathogenic. Last evaluated: 2025-03-25. Review status: criteria provided, single submitter. Criteria: Invitae Variant Classification Sherloc (09022015). Collection method: clinical testing. Allele origin: germline.
Comment: This sequence change affects the initiator methionine of the COL4A1 mRNA. The next in-frame methionine is located at codon 65. This variant is not present in population databases (gnomAD no frequency). This variant has not been reported in the literature in individuals affected with COL4A1-related conditions. This variant disrupts a region of the COL4A1 protein in which other variant(s) (p.Gly46Arg) have been determined to be pathogenic (internal data). This suggests that this is a clinically significant region of the protein, and that variants that disrupt it are likely to be disease-causing. For these reasons, this variant has been classified as Pathogenic.